The following is an entry in ClinVar:

ClinVar aggregate classification (germline): Uncertain significance (1 of 4 stars; one submission).

Submission:

Labcorp Genetics (formerly Invitae), Labcorp
Classification: Uncertain significance. Last evaluated: 2021-10-12. Review status: criteria provided, single submitter. Criteria: Invitae Variant Classification Sherloc (09022015). Collection method: clinical testing. Allele origin: germline.
Comment: This variant has not been reported in the literature in individuals affected with HMCN1-related conditions. Algorithms developed to predict the effect of missense changes on protein structure and function are either unavailable or do not agree on the potential impact of this missense change (SIFT: "Deleterious"; PolyPhen-2: "Probably Damaging"; Align-GVGD: "Class C0"). In summary, the available evidence is currently insufficient to determine the role of this variant in disease. Therefore, it has been classified as a Variant of Uncertain Significance. This variant is not present in population databases (ExAC no frequency). This sequence change replaces cysteine with tyrosine at codon 1192 of the HMCN1 protein (p.Cys1192Tyr). The cysteine residue is highly conserved and there is a large physicochemical difference between cysteine and tyrosine.

NM_031935.3(HMCN1):c.3575G>A (p.Cys1192Tyr)

Gene: HMCN1 (hemicentin 1; plus strand). Cytogenetic location: 1q31.1.
Variant type: single nucleotide variant.
Coding change: c.3575G>A on transcript NM_031935.3 (MANE Select); coding-DNA position 3575, G replaced by A.
Protein change: p.Cys1192Tyr; replaces cysteine 1192 with tyrosine.
Molecular consequence: missense variant.
Genome position (GRCh38, 1-based): chr1:185,994,884, G>A. VCF-style: chr1-185994884-G-A. GRCh37 (hg19) VCF-style: chr1-185964016-G-A.
Other names: short protein forms C1192Y.
Identifiers: ClinVar variation 1524633 (VCV001524633.6), dbSNP rs2102042948, ClinGen allele CA343870972.